The following is an entry in ClinVar:

NM_000057.4(BLM):c.2638G>C (p.Glu880Gln)

Gene: BLM (BLM RecQ like helicase; plus strand). Cytogenetic location: 15q26.1.
Variant type: single nucleotide variant.
Coding change: c.2638G>C on transcript NM_000057.4 (MANE Select); coding-DNA position 2638, G replaced by C.
Protein change: p.Glu880Gln; replaces glutamic acid 880 with glutamine.
Molecular consequence: missense variant.
Genome position (GRCh38, 1-based): chr15:90,782,904, G>C. VCF-style: chr15-90782904-G-C. GRCh37 (hg19) VCF-style: chr15-91326134-G-C.
Other names: p.E880Q:GAA>CAA; c.2638G>C, p.Glu880Gln (NM_001287246.2, NM_001287247.2); c.1513G>C, p.Glu505Gln (NM_001287248.2); c.2638G>C (LRG_20t1); short protein forms E880Q, E505Q.
Identifiers: ClinVar variation 127489 (VCV000127489.25), dbSNP rs201770808, ClinGen allele CA157385.

ClinVar aggregate classification (germline): Conflicting classifications of pathogenicity. Review status: criteria provided, conflicting classifications (1 of 4 stars). 8 submissions from 8 submitters: Uncertain significance (4); Benign (1); Likely benign (1). 2 of the submissions do not count toward it. Last evaluated 2026-01-27.

Conditions:
Hereditary cancer-predisposing syndrome. Also called: Hereditary Cancer Syndrome; Hereditary neoplastic syndrome; Tumor predisposition; Neoplastic Syndromes, Hereditary. Identifiers: Orphanet 140162, MedGen C0027672, MeSH D009386, MONDO:0015356.
Bloom syndrome (BLM). Also called: Bloom-Torre-Machacek syndrome. Identifiers: Orphanet 125, MedGen C0005859, MONDO:0008876, OMIM 210900.

Allele frequency attached by ClinVar (database versions not stated): ExAC 0.00003; gnomAD 0.00010 and 0.00011; TOPMed 0.00014; ESP Exome Variant Server 0.00015; gnomAD exomes 0.00005 and 0.00034.
gnomAD v4.1: 504 of 1,612,700 alleles (0.031%); highest among the groups gnomAD compares: Non-Finnish European, 0.042%; no homozygotes.

Submissions (8):

Labcorp Genetics (formerly Invitae), Labcorp
Classification: Benign for Bloom syndrome. Last evaluated: 2026-01-27. Review status: criteria provided, single submitter. Criteria: Invitae Variant Classification Sherloc (09022015). Collection method: clinical testing. Allele origin: germline.

GeneDx
Classification: Uncertain significance. Last evaluated: 2025-07-31. Review status: criteria provided, single submitter. Criteria: GeneDx Variant Classification Process June 2021. Collection method: clinical testing. Allele origin: germline. Affected: yes.
Comment: Not observed at significant frequency in large population cohorts (gnomAD); In silico analysis suggests that this missense variant does not alter protein structure/function; This variant is associated with the following publications: (PMID: 24728327, 29641532, 28944238)

St. Jude Molecular Pathology, St. Jude Children's Research Hospital
Classification: Uncertain significance for Bloom syndrome. Last evaluated: 2025-02-05. Review status: criteria provided, single submitter. Criteria: St. Jude Assertion Criteria 2020. Collection method: clinical testing. Allele origin: germline.
Comment: The BLM c.2638G>C p.(Glu880Gln) missense change has a maximum subpopulation frequency of 0.014% in gnomAD v2.1.1. The in silico tool REVEL predicts a benign effect on protein function, but to our knowledge this prediction has not been confirmed by functional studies. This variant has been reported in an individual with colorectal cancer (PMID: 28944238) and in a non-cancer control (PMID: 29641532). To our knowledge, this variant has not been reported in individuals with Bloom syndrome. In summary, the evidence currently available is insufficient to determine the clinical significance of this variant. It has therefore been classified as of uncertain significance.

Baylor Genetics
Classification: Uncertain significance for Bloom syndrome. Last evaluated: 2024-03-26. Review status: criteria provided, single submitter. Criteria: ACMG Guidelines, 2015. Collection method: clinical testing. Allele origin: unknown.

Quest Diagnostics Nichols Institute San Juan Capistrano
Classification: Uncertain significance. Last evaluated: 2023-12-18. Review status: criteria provided, single submitter. Criteria: Quest Diagnostics criteria. Collection method: clinical testing. Allele origin: unknown.
Comment: The BLM c.2638G>C (p.Glu880Gln) variant has been reported in the published literature in an individual with colorectal cancer (PMID: 28944238 (2017)) as well as in a reportedly healthy individual (PMID: 29641532 (2018)). The frequency of this variant in the general population, 0.00014 (18/129020 chromosomes (Genome Aggregation Database)), is uninformative in the assessment of its pathogenicity. Analysis of this variant using bioinformatics tools for the prediction of the effect of amino acid changes on protein structure and function yielded predictions that this variant is benign. Based on the available information, we are unable to determine the clinical significance of this variant.

Ambry Genetics
Classification: Likely benign for Hereditary cancer-predisposing syndrome. Last evaluated: 2022-01-31. Review status: criteria provided, single submitter. Criteria: Ambry Variant Classification Scheme 2023. Collection method: clinical testing. Allele origin: germline.

Natera, Inc.
Classification: Uncertain significance for Bloom syndrome. Last evaluated: 2020-09-16. Review status: no assertion criteria provided. Collection method: clinical testing. Allele origin: germline. Not counted in ClinVar's aggregate classification.

ITMI
No classification provided. Condition: AllHighlyPenetrant. Last evaluated: 2013-09-19. Review status: no classification provided. Collection method: reference population. Allele origin: germline. Not counted in ClinVar's aggregate classification.
Comment: Please see associated publication for description of ethnicities

Literature cited by the submitters: PubMed 29641532 (cited by Quest Diagnostics Nichols Institute San Juan Capistrano and Ambry Genetics); PubMed 28944238 (cited by Quest Diagnostics Nichols Institute San Juan Capistrano and Ambry Genetics); PubMed 24728327 (cited by Quest Diagnostics Nichols Institute San Juan Capistrano and ITMI).